The following is an entry in ClinVar:

NC_000017.10:g.(?_29652818)_(29679452_?)dup

Gene: NF1 (neurofibromin 1; plus strand). Cytogenetic location: 17q11.2.
Variant type: Duplication.
Identifiers: ClinVar variation 3242895 (VCV003242895.1).

ClinVar aggregate classification (germline): Likely pathogenic (1 of 4 stars; one submission).

Conditions:
Neurofibromatosis, type 1 (NF1). Also called: VON RECKLINGHAUSEN DISEASE; Neurofibromatosis, type I; Peripheral type neurofibromatosis; NEUROFIBROMATOSIS, TYPE I, SOMATIC. Identifiers: Orphanet 636, MedGen C0027831, MONDO:0018975, OMIM 162200. Disease mechanism: loss of function.

Submission:

Labcorp Genetics (formerly Invitae), Labcorp
Classification: Likely pathogenic for Neurofibromatosis, type 1. Last evaluated: 2022-12-27. Review status: criteria provided, single submitter. Criteria: Invitae Variant Classification Sherloc (09022015). Collection method: clinical testing. Allele origin: unknown.
Comment: In summary, the currently available evidence indicates that the variant is pathogenic, but additional data are needed to prove that conclusively. Therefore, this variant has been classified as Likely Pathogenic. This variant has not been reported in the literature in individuals affected with NF1-related conditions. This variant results in a copy number gain of the genomic region encompassing exon(s) 36-50 of the NF1 gene. While the exact position of this variant cannot be determined from the data, sub-genic copy number gains are generally in tandem (PMID: 25640679). This variant is predicted to be out-of-frame, and may result in an absent or disrupted protein product. Loss-of-function variants in NF1 are known to be pathogenic (PMID: 10712197, 23913538).

Literature cited by the submitters: PubMed 25640679; PubMed 10712197; PubMed 23913538.